The following is an entry in ClinVar:

NM_001278064.2(GRM1):c.3175G>C (p.Gly1059Arg)

Gene: GRM1 (glutamate metabotropic receptor 1; plus strand). Cytogenetic location: 6q24.3.
Variant type: single nucleotide variant.
Coding change: c.3175G>C on transcript NM_001278064.2 (MANE Select); coding-DNA position 3175, G replaced by C.
Protein change: p.Gly1059Arg; replaces glycine 1059 with arginine.
Molecular consequence: missense variant. On other transcripts: 3 prime UTR variant (3).
Genome position (GRCh38, 1-based): chr6:146,434,386, G>C. VCF-style: chr6-146434386-G-C. GRCh37 (hg19) VCF-style: chr6-146755522-G-C.
Other names: c.*539G>C (NM_001278065.2); c.*504G>C (NM_001278066.1); c.*413G>C (NM_001278067.1); short protein forms G1059R.
Identifiers: ClinVar variation 2893101 (VCV002893101.3), dbSNP rs374907697, ClinGen allele CA4037629.
Genomic context (GRCh38, chr6:146,434,386, plus strand): 5'-AGCAACTTCAGTACCGCGATCCCGGATTTTCACGCGGTGCTGGCAGGCCCCGGTGGTCCC[G>C]GGAACGGGCTGCGGTCCCTGTACCCGCCCCCGCCACCTCCGCAGCACCTGCAGATGCTGC-3'
Protein context (NP_001264993.1, residues 1049-1069): HAVLAGPGGP[Gly1059Arg]NGLRSLYPPP

ClinVar aggregate classification (germline): Uncertain significance (1 of 4 stars; one submission).

Submission:

Labcorp Genetics (formerly Invitae), Labcorp
Classification: Uncertain significance. Last evaluated: 2023-01-28. Review status: criteria provided, single submitter. Criteria: Invitae Variant Classification Sherloc (09022015). Collection method: clinical testing. Allele origin: germline.
Comment: This sequence change replaces glycine, which is neutral and non-polar, with arginine, which is basic and polar, at codon 1059 of the GRM1 protein (p.Gly1059Arg). This variant is present in population databases (rs374907697, gnomAD 0.002%). This variant has not been reported in the literature in individuals affected with GRM1-related conditions. Algorithms developed to predict the effect of missense changes on protein structure and function are either unavailable or do not agree on the potential impact of this missense change (SIFT: "Deleterious"; PolyPhen-2: "Possibly Damaging"; Align-GVGD: "Class C0"). In summary, the available evidence is currently insufficient to determine the role of this variant in disease. Therefore, it has been classified as a Variant of Uncertain Significance.